The following is an entry in ClinVar:

ClinVar aggregate classification (germline): Benign. Review status: criteria provided, multiple submitters, no conflicts (2 of 4 stars). 5 submissions from 5 submitters: Benign (4). 1 of the submissions does not count toward it. Last evaluated 2025-12-08.

Conditions:
Nephronophthisis. Also called: Juvenile Nephronophthisis. Identifiers: Orphanet 655, MedGen C0687120, MONDO:0019005, HP:0000090.
Nephronophthisis 7 (NPHP7). Identifiers: Orphanet 655, MedGen C1969092, MONDO:0012680, OMIM 611498.

Allele frequency attached by ClinVar (database versions not stated): gnomAD exomes 0.00073 and 0.00195; gnomAD 0.00732 and 0.00791; TOPMed 0.00899; ESP Exome Variant Server 0.00954; ExAC 0.00249; 1000 Genomes Project 0.00559; 1000 Genomes Project 30x 0.00640.
gnomAD v4.1: 2,237 of 1,612,590 alleles (0.14%); highest among the groups gnomAD compares: African/African-American, 2.6%; 36 homozygotes.

Submissions (5):

Labcorp Genetics (formerly Invitae), Labcorp
Classification: Benign for Nephronophthisis. Last evaluated: 2025-12-08. Review status: criteria provided, single submitter. Criteria: Invitae Variant Classification Sherloc (09022015). Collection method: clinical testing. Allele origin: germline.

Mayo Clinic Laboratories, Mayo Clinic
Classification: Benign. Last evaluated: 2023-07-03. Review status: criteria provided, single submitter. Criteria: ACMG Guidelines, 2015. Collection method: clinical testing. Allele origin: germline. Observed: 3 variant alleles.
Comment: BS1, BS2, BP4, BP7

Illumina Laboratory Services, Illumina
Classification: Benign for Nephronophthisis 7. Last evaluated: 2018-01-13. Review status: criteria provided, single submitter. Criteria: ICSL Variant Classification Criteria 13 December 2019. Collection method: clinical testing. Allele origin: germline.
Comment: This variant was observed in the ICSL laboratory as part of a predisposition screen in an ostensibly healthy population. It had not been previously curated by ICSL or reported in the Human Gene Mutation Database (HGMD: prior to June 1st, 2018), and was therefore a candidate for classification through an automated scoring system. Utilizing variant allele frequency, disease prevalence and penetrance estimates, and inheritance mode, an automated score was calculated to assess if this variant is too frequent to cause the disease. Based on the score and internal cut-off values, a variant classified as benign is not then subjected to further curation. The score for this variant resulted in a classification of benign for this disease.

Eurofins Ntd Llc (ga)
Classification: Benign. Last evaluated: 2013-04-05. Review status: criteria provided, single submitter. Criteria: EGL Classification Definitions 2015. Collection method: clinical testing. Allele origin: germline. Observed: 1 variant allele, 1 heterozygote.

Genetic Services Laboratory, University of Chicago
Classification: Benign. Last evaluated: 2022-09-13. Review status: no assertion criteria provided. Collection method: clinical testing. Allele origin: germline. Affected: no. Not counted in ClinVar's aggregate classification.

NM_032575.3(GLIS2):c.894C>T (p.Pro298=)

Gene: GLIS2 (GLIS family zinc finger 2; plus strand). Cytogenetic location: 16p13.3.
Variant type: single nucleotide variant.
Coding change: c.894C>T on transcript NM_032575.3 (MANE Select); coding-DNA position 894, C replaced by T.
Protein change: p.Pro298=; no amino-acid change (proline 298 retained).
Molecular consequence: synonymous variant.
Genome position (GRCh38, 1-based): chr16:4,336,843, C>T. VCF-style: chr16-4336843-C-T. GRCh37 (hg19) VCF-style: chr16-4386844-C-T.
Other names: p.Pro298=; c.894C>T, p.Pro298= (NM_001318918.2).
Identifiers: ClinVar variation 96225 (VCV000096225.20), dbSNP rs112926217, ClinGen allele CA251331.